The following is an entry in ClinVar:

NM_001077350.3(NPRL3):c.14C>T (p.Thr5Ile)

Genes: HBA-LCR (alpha-globin locus control region; plus strand), NPRL3 (NPR3 like, GATOR1 complex subunit; minus strand). Cytogenetic location: 16p13.3.
Variant type: single nucleotide variant.
Coding change: c.14C>T on transcript NM_001077350.3 (MANE Select); coding-DNA position 14, C replaced by T.
Protein change: p.Thr5Ile; replaces threonine 5 with isoleucine.
Molecular consequence: missense variant. On other transcripts: 5 prime UTR variant (2).
Genome position (GRCh38, 1-based): chr16:138,254, G>A on the plus strand (C>T on the coding strand, the complement: NPRL3 is on the minus strand). VCF-style: chr16-138254-G-A. GRCh37 (hg19) VCF-style: chr16-188253-G-A.
Other names: c.-319C>T (NM_001039476.3); c.-358C>T (NM_001243247.2); c.14C>T, p.Thr5Ile (NM_001243248.2, NM_001243249.2); short protein forms T5I.
Identifiers: ClinVar variation 655561 (VCV000655561.23), dbSNP rs776554504, ClinGen allele CA7769814.
Genomic context (GRCh38, chr16:138,254, plus strand): 5'-CTGAACAGCAGCTTATTGCCCCTGCTCCCCGAGCTCACCAGAATCACGCTGATGGGGCTG[G>A]TGTTGTCCCGCATCCCGCCGTGGGGCCGGGGCCGGGGGCGGAGGGGGCCAGAGGAGGACG-3'
Protein context (NP_001070818.1, residues 1-15): MRDN[Thr5Ile]SPISVILVSS

ClinVar aggregate classification (germline): Conflicting classifications of pathogenicity. Review status: criteria provided, conflicting classifications (1 of 4 stars). 3 submissions from 3 submitters: Uncertain significance (1); Likely benign (2). Last evaluated 2025-11-10.

Conditions:
Epilepsy, familial focal, with variable foci 3 (FFEVF3). Identifiers: MedGen C4310708, MONDO:0014925, OMIM 617118.
Inborn genetic diseases. Identifiers: MedGen C0950123, MeSH D030342.

Allele frequency attached by ClinVar (database versions not stated): ExAC 0.00006; gnomAD exomes 0.00008 and 0.00016; TOPMed 0.00008; gnomAD 0.00011.

Submissions (3):

Labcorp Genetics (formerly Invitae), Labcorp
Classification: Uncertain significance for Epilepsy, familial focal, with variable foci 3. Last evaluated: 2025-11-10. Review status: criteria provided, single submitter. Criteria: Invitae Variant Classification Sherloc (09022015). Collection method: clinical testing. Allele origin: germline.
Comment: This sequence change replaces threonine, which is neutral and polar, with isoleucine, which is neutral and non-polar, at codon 5 of the NPRL3 protein (p.Thr5Ile). This variant is present in population databases (rs776554504, gnomAD 0.01%). This missense change has been observed in individual(s) with clinical features of NPRL3-related conditions (internal data). ClinVar contains an entry for this variant (Variation ID: 655561). Experimental studies and prediction algorithms are not available or were not evaluated, and the functional significance of this variant is currently unknown. In summary, the available evidence is currently insufficient to determine the role of this variant in disease. Therefore, it has been classified as a Variant of Uncertain Significance.

CeGaT Center for Human Genetics Tuebingen
Classification: Likely benign. Last evaluated: 2024-11-01. Review status: criteria provided, single submitter. Criteria: CeGaT Center For Human Genetics Tuebingen Variant Classification Criteria Version 2. Collection method: clinical testing. Allele origin: germline. Affected: yes. Observed: 1 variant allele.
Comment: NPRL3: BP5

Ambry Genetics
Classification: Likely benign for Inborn genetic diseases. Last evaluated: 2023-09-21. Review status: criteria provided, single submitter. Criteria: Ambry Variant Classification Scheme 2023. Collection method: clinical testing. Allele origin: germline.